The following is an entry in ClinVar:

NM_032444.4(SLX4):c.4415T>C (p.Leu1472Pro)

Gene: SLX4 (SLX4 structure-specific endonuclease subunit; minus strand). Cytogenetic location: 16p13.3.
Variant type: single nucleotide variant.
Coding change: c.4415T>C on transcript NM_032444.4 (MANE Select); coding-DNA position 4415, T replaced by C.
Protein change: p.Leu1472Pro; replaces leucine 1472 with proline.
Molecular consequence: missense variant.
Genome position (GRCh38, 1-based): chr16:3,589,223, A>G on the plus strand (T>C on the coding strand, the complement: SLX4 is on the minus strand). VCF-style: chr16-3589223-A-G. GRCh37 (hg19) VCF-style: chr16-3639224-A-G.
Other names: short protein forms L1472P.
Identifiers: ClinVar variation 1472669 (VCV001472669.4), dbSNP rs938457122, ClinGen allele CA276958189.

ClinVar aggregate classification (germline): Uncertain significance (1 of 4 stars; one submission).

Conditions:
Fanconi anemia (FA). Also called: Fanconi's anemia. Identifiers: Orphanet 84, MedGen C0015625, MeSH D005199, MONDO:0019391.

Allele frequency attached by ClinVar (database versions not stated): gnomAD exomes below 0.00001 and 0.00002; gnomAD 0.00001; TOPMed 0.00001.
gnomAD v4.1: 16 of 1,610,628 alleles (0.00099%); highest among the groups gnomAD compares: East Asian, 0.027%; no homozygotes.

Submission:

Labcorp Genetics (formerly Invitae), Labcorp
Classification: Uncertain significance for Fanconi anemia. Last evaluated: 2022-11-23. Review status: criteria provided, single submitter. Criteria: Invitae Variant Classification Sherloc (09022015). Collection method: clinical testing. Allele origin: germline.
Comment: In summary, the available evidence is currently insufficient to determine the role of this variant in disease. Therefore, it has been classified as a Variant of Uncertain Significance. Algorithms developed to predict the effect of missense changes on protein structure and function output the following: SIFT: "Tolerated"; PolyPhen-2: "Benign"; Align-GVGD: "Class C0". The proline amino acid residue is found in multiple mammalian species, which suggests that this missense change does not adversely affect protein function. ClinVar contains an entry for this variant (Variation ID: 1472669). This variant has not been reported in the literature in individuals affected with SLX4-related conditions. This variant is present in population databases (no rsID available, gnomAD 0.002%). This sequence change replaces leucine, which is neutral and non-polar, with proline, which is neutral and non-polar, at codon 1472 of the SLX4 protein (p.Leu1472Pro).